The following is an entry in ClinVar:

NM_025132.4(WDR19):c.2364-3del

Gene: WDR19 (WD repeat domain 19; plus strand). Cytogenetic location: 4p14.
Variant type: Deletion.
Coding change: c.2364-3del on transcript NM_025132.4 (MANE Select); 3 bases into the intron before coding-DNA position 2364, one base deleted (C; older notation c.2364-3delC).
Molecular consequence: intron variant.
Genome position (GRCh38, 1-based): chr4:39,240,274, C deleted. VCF-style (leftmost placement, unchanged base first): chr4-39240273-TC-T. GRCh37 (hg19) VCF-style: chr4-39241893-TC-T.
Other names: c.1884-3del (NM_001317924.2); c.2364-3del (NM_025132.3).
Identifiers: ClinVar variation 195622 (VCV000195622.18), dbSNP rs757992911, ClinGen allele CA242097.

ClinVar aggregate classification (germline): Conflicting classifications of pathogenicity. Review status: criteria provided, conflicting classifications (1 of 4 stars). 4 submissions from 4 submitters: Uncertain significance (1); Benign (1); Likely benign (1). 1 of the submissions does not count toward it. Last evaluated 2025-12-15.

Conditions:
WDR19-related disorder. Also called: WDR19-related condition; WDR19-related disorders. Identifiers: MedGen CN380161.
Asphyxiating thoracic dystrophy 5 (SRTD5). Also called: SHORT-RIB THORACIC DYSPLASIA 5 WITHOUT POLYDACTYLY; SHORT-RIB THORACIC DYSPLASIA 5 WITH OR WITHOUT POLYDACTYLY. Identifiers: Orphanet 474, MedGen C3280598, MONDO:0013717, OMIM 614376.
Senior-Loken syndrome 8 (SLSN8). Identifiers: Orphanet 3156, MedGen C4225376, MONDO:0014579, OMIM 616307.

Allele frequency attached by ClinVar (database versions not stated): gnomAD exomes 0.00004 and 0.00012; ExAC 0.00028; 1000 Genomes Project 30x 0.00062; gnomAD 0.00077 and 0.00079; ESP Exome Variant Server 0.00086.

Submissions (4):

Labcorp Genetics (formerly Invitae), Labcorp
Classification: Benign for Senior-Loken syndrome 8; Asphyxiating thoracic dystrophy 5. Last evaluated: 2025-12-15. Review status: criteria provided, single submitter. Criteria: Invitae Variant Classification Sherloc (09022015). Collection method: clinical testing. Allele origin: germline.

Blueprint Genetics
Classification: Likely benign. Last evaluated: 2024-10-18. Review status: criteria provided, single submitter. Criteria: ACMG Guidelines, 2015. Collection method: clinical testing. Allele origin: germline.

Eurofins Ntd Llc (ga)
Classification: Uncertain significance. Last evaluated: 2014-06-06. Review status: criteria provided, single submitter. Criteria: EGL Classification Definitions 2015. Collection method: clinical testing. Allele origin: germline. Observed: 1 variant allele, 1 heterozygote.

PreventionGenetics, part of Exact Sciences
Classification: Likely benign for WDR19-related condition. Last evaluated: 2022-10-07. Review status: no assertion criteria provided. Collection method: clinical testing. Allele origin: germline. Not counted in ClinVar's aggregate classification.
Comment: This variant is classified as likely benign based on ACMG/AMP sequence variant interpretation guidelines (Richards et al. 2015 PMID: 25741868, with internal and published modifications).